The following is an entry in ClinVar:

ClinVar aggregate classification (germline): Uncertain significance (1 of 4 stars; one submission).

Conditions:
Hereditary cancer-predisposing syndrome. Also called: Neoplastic Syndromes, Hereditary; Tumor predisposition; Hereditary Cancer Syndrome; Hereditary neoplastic syndrome. Identifiers: Orphanet 140162, MedGen C0027672, MeSH D009386, MONDO:0015356.

Submission:

Ambry Genetics
Classification: Uncertain significance for Hereditary cancer-predisposing syndrome. Last evaluated: 2026-05-30. Review status: criteria provided, single submitter. Criteria: Ambry Variant Classification Scheme 2023. Collection method: clinical testing. Allele origin: germline.
Comment: The p.D571H variant (also known as c.1711G>C), located in coding exon 5 of the PALB2 gene, results from a G to C substitution at nucleotide position 1711. The aspartic acid at codon 571 is replaced by histidine, an amino acid with similar properties. This amino acid position is conserved. In addition, this alteration is predicted to be tolerated by in silico analysis. Based on the available evidence, the clinical significance of this variant remains unclear.

NM_024675.4(PALB2):c.1711G>C (p.Asp571His)

Gene: PALB2 (partner and localizer of BRCA2; minus strand). Cytogenetic location: 16p12.2.
Variant type: single nucleotide variant.
Coding change: c.1711G>C on transcript NM_024675.4 (MANE Select); coding-DNA position 1711, G replaced by C.
Protein change: p.Asp571His; replaces aspartic acid 571 with histidine.
Molecular consequence: missense variant. On other transcripts: 5 prime UTR variant (2), intron variant (1).
Genome position (GRCh38, 1-based): chr16:23,630,443, C>G on the plus strand (G>C on the coding strand, the complement: PALB2 is on the minus strand). VCF-style: chr16-23630443-C-G. GRCh37 (hg19) VCF-style: chr16-23641764-C-G.
Other names: c.1711G>C, p.Asp571His (NM_001407300.1, NM_001407301.1, NM_001407302.1 and 3 more transcripts); c.826G>C, p.Asp276His (NM_001407304.1, NM_001407305.1, NM_001407306.1 and 5 more transcripts); c.-78G>C (NM_001407312.1, NM_001407313.1); c.49-1168G>C (NM_001407314.1); c.1651G>C, p.Asp551His (NM_001407296.1); short protein forms D276H, D551H, D571H.
Identifiers: ClinVar variation 4861509 (VCV004861509.1).